The following is an entry in ClinVar:

NM_206933.4(USH2A):c.13331C>T (p.Pro4444Leu)

Gene: USH2A (usherin; minus strand). Cytogenetic location: 1q41.
Variant type: single nucleotide variant.
Coding change: c.13331C>T on transcript NM_206933.4 (MANE Select); coding-DNA position 13331, C replaced by T.
Protein change: p.Pro4444Leu; replaces proline 4444 with leucine.
Molecular consequence: missense variant.
Genome position (GRCh38, 1-based): chr1:215,674,580, G>A on the plus strand (C>T on the coding strand, the complement: USH2A is on the minus strand). VCF-style: chr1-215674580-G-A. GRCh37 (hg19) VCF-style: chr1-215847922-G-A.
Other names: short protein forms P4444L.
Identifiers: ClinVar variation 438012 (VCV000438012.12), dbSNP rs762388072, ClinGen allele CA1393316.

ClinVar aggregate classification (germline): Pathogenic/Likely pathogenic. Review status: criteria provided, multiple submitters, no conflicts (2 of 4 stars). 5 submissions from 5 submitters: Pathogenic (1); Likely pathogenic (2). 2 of the submissions do not count toward it. Last evaluated 2025-03-04.

Conditions:
Retinitis pigmentosa (RP). Identifiers: Orphanet 791, MedGen C0035334, MeSH D012174, MONDO:0019200, OMIM 268000. Inheritance: Autosomal dominant, autosomal recessive and X linked inheritance.
USH2A-related disorder. Also called: USH2A-related condition; USH2A-related disorders. Identifiers: MedGen CN239332.
Retinitis pigmentosa 39 (RP39). Identifiers: Orphanet 791, MedGen C3151138, MONDO:0013436, OMIM 613809.

Allele frequency attached by ClinVar (database versions not stated): TOPMed below 0.00001; gnomAD 0.00001; gnomAD exomes 0.00001 and 0.00002; ExAC 0.00002.
gnomAD v4.1: 13 of 1,614,006 alleles (0.00081%); highest among the groups gnomAD compares: South Asian, 0.0099%; no homozygotes.

Submissions (5):

Labcorp Genetics (formerly Invitae), Labcorp
Classification: Pathogenic. Last evaluated: 2025-03-04. Review status: criteria provided, single submitter. Criteria: Invitae Variant Classification Sherloc (09022015). Collection method: clinical testing. Allele origin: germline.
Comment: This sequence change replaces proline, which is neutral and non-polar, with leucine, which is neutral and non-polar, at codon 4444 of the USH2A protein (p.Pro4444Leu). This variant is present in population databases (rs762388072, gnomAD 0.01%). This missense change has been observed in individuals with retinitis pigmentosa (PMID: 28041643, 30718709). ClinVar contains an entry for this variant (Variation ID: 438012). Invitae Evidence Modeling of protein sequence and biophysical properties (such as structural, functional, and spatial information, amino acid conservation, physicochemical variation, residue mobility, and thermodynamic stability) indicates that this missense variant is expected to disrupt USH2A protein function with a positive predictive value of 95%. This variant disrupts the p.Pro4444 amino acid residue in USH2A. Other variant(s) that disrupt this residue have been observed in individuals with USH2A-related conditions (PMID: 28041643, 30718709, 30948794), which suggests that this may be a clinically significant amino acid residue. For these reasons, this variant has been classified as Pathogenic.

Baylor Genetics
Classification: Likely pathogenic for Retinitis pigmentosa 39. Last evaluated: 2023-10-12. Review status: criteria provided, single submitter. Criteria: ACMG Guidelines, 2015. Collection method: clinical testing. Allele origin: unknown.

Blueprint Genetics
Classification: Likely pathogenic for USH2A-related disorders. Last evaluated: 2022-09-23. Review status: criteria provided, single submitter. Criteria: ACMG Guidelines, 2015. Collection method: clinical testing. Allele origin: germline. Affected: yes. Observed: 2 variant alleles.

Department of Clinical Genetics, Copenhagen University Hospital, Rigshospitalet
Classification: Likely pathogenic for Retinitis pigmentosa. Last evaluated: 2018-04-01. Review status: no assertion criteria provided. Collection method: research. Allele origin: unknown. Affected: yes. Study: VeluxRD. Not counted in ClinVar's aggregate classification.

NIHR Bioresource Rare Diseases, University of Cambridge
Classification: Likely pathogenic for Retinitis pigmentosa. Last evaluated: 2015-01-01. Review status: no assertion criteria provided. Collection method: research. Allele origin: unknown. Affected: yes. Observed: 2 variant alleles. Not counted in ClinVar's aggregate classification.

Literature cited by the submitters: PubMed 28041643 (cited by Labcorp Genetics (formerly Invitae), Labcorp and NIHR Bioresource Rare Diseases, University of Cambridge); PubMed 30718709 (cited by Labcorp Genetics (formerly Invitae), Labcorp and Department of Clinical Genetics, Copenhagen University Hospital, Rigshospitalet); PubMed 30948794 (cited by Labcorp Genetics (formerly Invitae), Labcorp).